The following is an entry in ClinVar:

NM_000057.4(BLM):c.2851A>G (p.Met951Val)

Gene: BLM (BLM RecQ like helicase; plus strand). Cytogenetic location: 15q26.1.
Variant type: single nucleotide variant.
Coding change: c.2851A>G on transcript NM_000057.4 (MANE Select); coding-DNA position 2851, A replaced by G.
Protein change: p.Met951Val; replaces methionine 951 with valine.
Molecular consequence: missense variant.
Genome position (GRCh38, 1-based): chr15:90,790,676, A>G. VCF-style: chr15-90790676-A-G. GRCh37 (hg19) VCF-style: chr15-91333906-A-G.
Other names: c.2851A>G, p.Met951Val (NM_001287246.2, NM_001287247.2); c.1726A>G, p.Met576Val (NM_001287248.2); short protein forms M576V, M951V.
Identifiers: ClinVar variation 3480873 (VCV003480873.1).

ClinVar aggregate classification (germline): Uncertain significance (1 of 4 stars; one submission).

Conditions:
Hereditary cancer-predisposing syndrome. Also called: Tumor predisposition; Neoplastic Syndromes, Hereditary; Hereditary Cancer Syndrome; Hereditary neoplastic syndrome. Identifiers: Orphanet 140162, MedGen C0027672, MeSH D009386, MONDO:0015356.

Submission:

Ambry Genetics
Classification: Uncertain significance for Hereditary cancer-predisposing syndrome. Last evaluated: 2024-10-12. Review status: criteria provided, single submitter. Criteria: Ambry Variant Classification Scheme 2023. Collection method: clinical testing. Allele origin: germline.
Comment: The p.M951V variant (also known as c.2851A>G), located in coding exon 14 of the BLM gene, results from an A to G substitution at nucleotide position 2851. The methionine at codon 951 is replaced by valine, an amino acid with highly similar properties. This amino acid position is conserved. In addition, this alteration is predicted to be deleterious by in silico analysis. Based on the available evidence, the clinical significance of this variant remains unclear.